The following is an entry in ClinVar:

NM_018026.4(PACS1):c.2357C>T (p.Ser786Leu)

Gene: PACS1 (phosphofurin acidic cluster sorting protein 1; plus strand). Cytogenetic location: 11q13.2.
Variant type: single nucleotide variant.
Coding change: c.2357C>T on transcript NM_018026.4 (MANE Select); coding-DNA position 2357, C replaced by T.
Protein change: p.Ser786Leu; replaces serine 786 with leucine.
Molecular consequence: missense variant.
Genome position (GRCh38, 1-based): chr11:66,239,205, C>T. VCF-style: chr11-66239205-C-T. GRCh37 (hg19) VCF-style: chr11-66006676-C-T.
Other names: short protein forms S786L.
Identifiers: ClinVar variation 2804939 (VCV002804939.3), dbSNP rs746562368, ClinGen allele CA6116856.

ClinVar aggregate classification (germline): Uncertain significance (1 of 4 stars; one submission).

Conditions:
Schuurs-Hoeijmakers syndrome. Also called: PACS1-Related Neurodevelopmental Disorder. Identifiers: Orphanet 329224, MedGen C3554343, MONDO:0014006, OMIM 615009.

Allele frequency attached by ClinVar (database versions not stated): gnomAD exomes 0.00001; TOPMed below 0.00001; gnomAD 0.00001; ExAC 0.00002.
gnomAD v4.1: 15 of 1,614,004 alleles (0.00093%); highest among the groups gnomAD compares: African/African-American, 0.0027%; no homozygotes.

Submission:

Labcorp Genetics (formerly Invitae), Labcorp
Classification: Uncertain significance for Schuurs-Hoeijmakers syndrome. Last evaluated: 2023-04-19. Review status: criteria provided, single submitter. Criteria: Invitae Variant Classification Sherloc (09022015). Collection method: clinical testing. Allele origin: germline.
Comment: In summary, the available evidence is currently insufficient to determine the role of this variant in disease. Therefore, it has been classified as a Variant of Uncertain Significance. Advanced modeling of protein sequence and biophysical properties (such as structural, functional, and spatial information, amino acid conservation, physicochemical variation, residue mobility, and thermodynamic stability) performed at Invitae indicates that this missense variant is not expected to disrupt PACS1 protein function. This variant has not been reported in the literature in individuals affected with PACS1-related conditions. This variant is present in population databases (rs746562368, gnomAD 0.007%). This sequence change replaces serine, which is neutral and polar, with leucine, which is neutral and non-polar, at codon 786 of the PACS1 protein (p.Ser786Leu).